The following is an entry in ClinVar:

ClinVar aggregate classification (germline): Likely benign (1 of 4 stars; one submission).

Allele frequency attached by ClinVar (database versions not stated): gnomAD exomes below 0.00001.
gnomAD v4.1: 1 of 1,613,738 alleles (0.000062%); highest among the groups gnomAD compares: Non-Finnish European, 0.000085%; no homozygotes.

Submission:

CeGaT Center for Human Genetics Tuebingen
Classification: Likely benign. Last evaluated: 2024-04-01. Review status: criteria provided, single submitter. Criteria: CeGaT Center For Human Genetics Tuebingen Variant Classification Criteria Version 2. Collection method: clinical testing. Allele origin: germline. Affected: yes. Observed: 1 variant allele.
Comment: CCDC50: PM2:Supporting, BP4, BP7

NM_178335.3(CCDC50):c.735G>A (p.Val245=)

Gene: CCDC50 (coiled-coil domain containing 50; plus strand). Cytogenetic location: 3q28.
Variant type: single nucleotide variant.
Coding change: c.735G>A on transcript NM_178335.3 (MANE Select); coding-DNA position 735, G replaced by A.
Protein change: p.Val245=; no amino-acid change (valine 245 retained).
Molecular consequence: synonymous variant. On other transcripts: intron variant (1).
Genome position (GRCh38, 1-based): chr3:191,375,348, G>A. VCF-style: chr3-191375348-G-A. GRCh37 (hg19) VCF-style: chr3-191093137-G-A.
Other names: c.449-4811G>A (NM_174908.4).
Identifiers: ClinVar variation 3234700 (VCV003234700.20), dbSNP rs1713066385, ClinGen allele CA437637682.